The following is an entry in ClinVar:

NM_006231.4(POLE):c.5107T>A (p.Cys1703Ser)

Gene: POLE (DNA polymerase epsilon, catalytic subunit; minus strand). Cytogenetic location: 12q24.33.
Variant type: single nucleotide variant.
Coding change: c.5107T>A on transcript NM_006231.4 (MANE Select); coding-DNA position 5107, T replaced by A.
Protein change: p.Cys1703Ser; replaces cysteine 1703 with serine.
Molecular consequence: missense variant.
Genome position (GRCh38, 1-based): chr12:132,642,243, A>T on the plus strand (T>A on the coding strand, the complement: POLE is on the minus strand). VCF-style: chr12-132642243-A-T. GRCh37 (hg19) VCF-style: chr12-133218829-A-T.
Other names: short protein forms C1703S.
Identifiers: ClinVar variation 1745375 (VCV001745375.2), dbSNP rs756274721, ClinGen allele CA387376893.
Genomic context (GRCh38, chr12:132,642,243, plus strand): 5'-AGTAACAGCCTGAACTGTTGATCTCAACAGTGGCTTGGTCATCGAACTCCATGACAAGAC[A>T]GTTGTCATCAGCCTCCTTTCCACCCAGGTCAGGGCGGGCTGTAGGGGACAGCCAGAGCAG-3'
Protein context (NP_006222.2, residues 1693-1713): DLGGKEADDN[Cys1703Ser]LVMEFDDQAT

ClinVar aggregate classification (germline): Uncertain significance (1 of 4 stars; one submission).

Conditions:
Hereditary cancer-predisposing syndrome. Also called: Hereditary Cancer Syndrome; Neoplastic Syndromes, Hereditary; Tumor predisposition; Hereditary neoplastic syndrome. Identifiers: Orphanet 140162, MedGen C0027672, MeSH D009386, MONDO:0015356.

Submission:

Ambry Genetics
Classification: Uncertain significance for Hereditary cancer-predisposing syndrome. Last evaluated: 2022-03-01. Review status: criteria provided, single submitter. Criteria: Ambry Variant Classification Scheme 2023. Collection method: clinical testing. Allele origin: germline.
Comment: The p.C1703S variant (also known as c.5107T>A), located in coding exon 38 of the POLE gene, results from a T to A substitution at nucleotide position 5107. The cysteine at codon 1703 is replaced by serine, an amino acid with dissimilar properties. This amino acid position is conserved. In addition, this alteration is predicted to be tolerated by in silico analysis. Since supporting evidence is limited at this time, the clinical significance of this alteration remains unclear.